The following is an entry in ClinVar:

ClinVar aggregate classification (germline): Likely pathogenic. Review status: criteria provided, multiple submitters, no conflicts (2 of 4 stars). 2 submissions from 2 submitters: Likely pathogenic (2). Last evaluated 2022-03-09.

Conditions:
Dystonia 28, childhood-onset (DYT28). Also called: KMT2B-Related Dystonia (DYT-KMT2B). Identifiers: Orphanet 589618, MedGen C4310633, MONDO:0015004, OMIM 617284.

Submissions (2):

GeneDx
Classification: Likely pathogenic. Last evaluated: 2022-03-09. Review status: criteria provided, single submitter. Criteria: GeneDx Variant Classification Process June 2021. Collection method: clinical testing. Allele origin: germline. Affected: yes.
Comment: Not observed at significant frequency in large population cohorts (gnomAD); In silico analysis supports that this missense variant has a deleterious effect on protein structure/function; Has not been previously published as pathogenic or benign to our knowledge

Centre de Biologie Pathologie Génétique, Centre Hospitalier Universitaire de Lille
Classification: Likely pathogenic for Dystonia 28, childhood-onset. Review status: criteria provided, single submitter. Criteria: ACMG Guidelines, 2015. Collection method: clinical testing. Allele origin: de novo. Affected: yes.

NM_014727.3(KMT2B):c.7921G>A (p.Ala2641Thr)

Gene: KMT2B (lysine methyltransferase 2B; plus strand). Cytogenetic location: 19q13.12.
Variant type: single nucleotide variant.
Coding change: c.7921G>A on transcript NM_014727.3 (MANE Select); coding-DNA position 7921, G replaced by A.
Protein change: p.Ala2641Thr; replaces alanine 2641 with threonine.
Molecular consequence: missense variant.
Genome position (GRCh38, 1-based): chr19:35,738,330, G>A. VCF-style: chr19-35738330-G-A. GRCh37 (hg19) VCF-style: chr19-36229231-G-A.
Other names: c.7921G>A (NM_014727.2); short protein forms A2641T.
Identifiers: ClinVar variation 1700217 (VCV001700217.2), dbSNP rs2146482963, ClinGen allele CA405440077.
Genomic context (GRCh38, chr19:35,738,330, plus strand): 5'-TCATCCCTGCAGGGCATCGGGTGCTATATGTTCCGCATGGATGACTTTGATGTAGTGGAC[G>A]CCACGATGCATGGCAATGCCGCCCGCTTCATCAACCACTCCTGTGAGCCCAACTGCTTCT-3'
Protein context (NP_055542.1, residues 2631-2651): FRMDDFDVVD[Ala2641Thr]TMHGNAARFI